The following is an entry in ClinVar:

NM_003482.4(KMT2D):c.6766G>A (p.Ala2256Thr)

Gene: KMT2D (lysine methyltransferase 2D; minus strand). Cytogenetic location: 12q13.12.
Variant type: single nucleotide variant.
Coding change: c.6766G>A on transcript NM_003482.4 (MANE Select); coding-DNA position 6766, G replaced by A.
Protein change: p.Ala2256Thr; replaces alanine 2256 with threonine.
Molecular consequence: missense variant.
Genome position (GRCh38, 1-based): chr12:49,041,004, C>T on the plus strand (G>A on the coding strand, the complement: KMT2D is on the minus strand). VCF-style: chr12-49041004-C-T. GRCh37 (hg19) VCF-style: chr12-49434787-C-T.
Other names: short protein forms A2256T.
Identifiers: ClinVar variation 4535942 (VCV004535942.1).

ClinVar aggregate classification (germline): Uncertain significance (1 of 4 stars; one submission).

gnomAD v4.1: 1 of 1,592,892 alleles (0.000063%); highest among the groups gnomAD compares: Non-Finnish European, 0.000086%; no homozygotes.

Submission:

Women's Health and Genetics/Laboratory Corporation of America, LabCorp
Classification: Uncertain significance. Last evaluated: 2025-09-26. Review status: criteria provided, single submitter. Criteria: LabCorp Variant Classification Summary - May 2015. Collection method: clinical testing. Allele origin: germline.
Comment: Variant summary: KMT2D c.6766G>A (p.Ala2256Thr) results in a non-conservative amino acid change in the encoded protein sequence. Algorithms developed to predict the effect of missense changes on protein structure and function are either unavailable or do not agree on the potential impact of this missense change. The frequency data for this variant in gnomAD is considered unreliable, as metrics indicate poor data quality at this position. To our knowledge, no occurrence of c.6766G>A in individuals affected with KMT2D-related conditions and no experimental evidence demonstrating its impact on protein function have been reported. No submitters have cited clinical-significance assessments for this variant to ClinVar. Based on the evidence outlined above, the variant was classified as uncertain significance.